The following is an entry in ClinVar:

ClinVar aggregate classification (germline): Uncertain significance (1 of 4 stars; one submission).

Conditions:
Cornelia de Lange syndrome 3 (CDLS3). Also called: CORNELIA DE LANGE SYNDROME 3 WITH OR WITHOUT MIDLINE BRAIN DEFECTS; SMC3-Related Cornelia de Lange Syndrome. Identifiers: Orphanet 199, MedGen C1853099, MONDO:0012555, OMIM 610759.

Submission:

3billion
Classification: Uncertain significance for Cornelia de Lange syndrome 3. Last evaluated: 2024-10-31. Review status: criteria provided, single submitter. Criteria: ACMG Guidelines, 2015. Collection method: clinical testing. Allele origin: germline. Affected: yes.
Comment: The variant is not observed in the gnomAD v4.1.0 dataset. Predicted Consequence/Location: Missense variant. Missense changes are a common disease-causing mechanism. In silico tool predictions suggest damaging effect of the variant on gene or gene product [3Cnet: 0.65 (>=0.6, sensitivity 0.72 and precision 0.9)]. Therefore, this variant is classified as VUS according to the recommendation of ACMG/AMP guideline.

NM_005445.4(SMC3):c.1553A>G (p.His518Arg)

Gene: SMC3 (structural maintenance of chromosomes 3; plus strand). Cytogenetic location: 10q25.2.
Variant type: single nucleotide variant.
Coding change: c.1553A>G on transcript NM_005445.4 (MANE Select); coding-DNA position 1553, A replaced by G.
Protein change: p.His518Arg; replaces histidine 518 with arginine.
Molecular consequence: missense variant.
Genome position (GRCh38, 1-based): chr10:110,590,455, A>G. VCF-style: chr10-110590455-A-G. GRCh37 (hg19) VCF-style: chr10-112350213-A-G.
Other names: short protein forms H518R.
Identifiers: ClinVar variation 4292501 (VCV004292501.1).